The following is an entry in ClinVar:

ClinVar aggregate classification (germline): Uncertain significance (1 of 4 stars; one submission).

Allele frequency attached by ClinVar (database versions not stated): gnomAD exomes below 0.00001.

Submission:

Labcorp Genetics (formerly Invitae), Labcorp
Classification: Uncertain significance. Last evaluated: 2025-11-03. Review status: criteria provided, single submitter. Criteria: Invitae Variant Classification Sherloc (09022015). Collection method: clinical testing. Allele origin: germline.
Comment: This sequence change replaces glutamic acid, which is acidic and polar, with aspartic acid, which is acidic and polar, at codon 429 of the TELO2 protein (p.Glu429Asp). This variant is not present in population databases (gnomAD no frequency). This variant has not been reported in the literature in individuals affected with TELO2-related conditions. ClinVar contains an entry for this variant (Variation ID: 1929349). Invitae Evidence Modeling of protein sequence and biophysical properties (such as structural, functional, and spatial information, amino acid conservation, physicochemical variation, residue mobility, and thermodynamic stability) indicates that this missense variant is not expected to disrupt TELO2 protein function with a negative predictive value of 95%. Algorithms developed to predict the effect of sequence changes on RNA splicing suggest that this variant may disrupt the consensus splice site. In summary, the available evidence is currently insufficient to determine the role of this variant in disease. Therefore, it has been classified as a Variant of Uncertain Significance.

NM_016111.4(TELO2):c.1287A>T (p.Glu429Asp)

Gene: TELO2 (telomere maintenance 2; plus strand). Cytogenetic location: 16p13.3.
Variant type: single nucleotide variant.
Coding change: c.1287A>T on transcript NM_016111.4 (MANE Select); coding-DNA position 1287, A replaced by T.
Protein change: p.Glu429Asp; replaces glutamic acid 429 with aspartic acid.
Molecular consequence: missense variant.
Genome position (GRCh38, 1-based): chr16:1,501,425, A>T. VCF-style: chr16-1501425-A-T. GRCh37 (hg19) VCF-style: chr16-1551426-A-T.
Other names: c.1287A>T, p.Glu429Asp (NM_001351846.2); short protein forms E429D.
Identifiers: ClinVar variation 1929349 (VCV001929349.5), dbSNP rs2039671724, ClinGen allele CA394213586.